The following is an entry in ClinVar:

ClinVar aggregate classification (germline): Uncertain significance (1 of 4 stars; one submission).

Conditions:
Inborn genetic diseases. Identifiers: MedGen C0950123, MeSH D030342.

Allele frequency attached by ClinVar (database versions not stated): gnomAD exomes below 0.00001; TOPMed 0.00001; gnomAD 0.00002.

Submission:

Ambry Genetics
Classification: Uncertain significance for Inborn genetic diseases. Last evaluated: 2018-01-26. Review status: criteria provided, single submitter. Criteria: Ambry Variant Classification Scheme 2023. Collection method: clinical testing. Allele origin: germline.
Comment: The p.P77S variant (also known as c.229C>T), located in coding exon 1 of the NLGN3 gene, results from a C to T substitution at nucleotide position 229. The proline at codon 77 is replaced by serine, an amino acid with similar properties. This amino acid position is highly conserved in available vertebrate species. In addition, this alteration is predicted to be tolerated by in silico analysis. Since supporting evidence is limited at this time, the clinical significance of this alteration remains unclear.

NM_181303.2(NLGN3):c.229C>T (p.Pro77Ser)

Gene: NLGN3 (neuroligin 3; plus strand). Cytogenetic location: Xq13.1.
Variant type: single nucleotide variant.
Coding change: c.229C>T on transcript NM_181303.2 (MANE Select); coding-DNA position 229, C replaced by T.
Protein change: p.Pro77Ser; replaces proline 77 with serine.
Molecular consequence: missense variant. On other transcripts: intron variant (1).
Genome position (GRCh38, 1-based): chrX:71,147,978, C>T. VCF-style: chrX-71147978-C-T. GRCh37 (hg19) VCF-style: chrX-70367828-C-T.
Other names: c.229C>T, p.Pro77Ser (NM_001166660.2, NM_018977.4); c.-38-85C>T (NM_001321276.2); short protein forms P77S.
Identifiers: ClinVar variation 1789226 (VCV001789226.2), dbSNP rs1211820354, ClinGen allele CA413547595.